The following is an entry in ClinVar:

ClinVar aggregate classification (germline): Pathogenic (0 of 4 stars; one submission).

Conditions:
Autosomal recessive nonsyndromic hearing loss 8 (DFNB8). Also called: NEUROSENSORY NONSYNDROMIC RECESSIVE DEAFNESS 8; Deafness, autosomal recessive 10. Identifiers: Orphanet 90636, MedGen C1832827, MONDO:0010987, OMIM 601072.

Submission:

Hereditary Research Laboratory, Bethlehem University
Classification: Pathogenic for Autosomal recessive nonsyndromic hearing loss 8. Last evaluated: 2016-06-04. Review status: no assertion criteria provided. Collection method: research. Allele origin: germline. Affected: yes.
Comment: Severe to Profound

NM_001256317.3(TMPRSS3):c.582T>A (p.Cys194Ter)

Gene: TMPRSS3 (transmembrane serine protease 3; minus strand). Cytogenetic location: 21q22.3.
Variant type: single nucleotide variant.
Coding change: c.582T>A on transcript NM_001256317.3 (MANE Select); coding-DNA position 582, T replaced by A.
Protein change: p.Cys194Ter; replaces cysteine 194 with a stop codon.
Molecular consequence: nonsense.
Genome position (GRCh38, 1-based): chr21:42,384,004, A>T on the plus strand (T>A on the coding strand, the complement: TMPRSS3 is on the minus strand). VCF-style: chr21-42384004-A-T. GRCh37 (hg19) VCF-style: chr21-43804113-A-T.
Other names: c.582T>A, p.Cys194Ter (NM_024022.4, NM_032405.2); c.201T>A, p.Cys67Ter (NM_032404.3); short protein forms C194*, C67*.
Identifiers: ClinVar variation 402283 (VCV000402283.1), dbSNP rs1060499811, ClinGen allele CA16609583.
Genomic context (GRCh38, chr21:42,384,004, plus strand): 5'-GACCCCTGCCTTTCTGGAACTCTTACCTGTGCACTGCAAGGTAACCACGTGGCCAGAGGC[A>T]CATCCCTCCCTAAAGCGGAGAAAAAGTAGGCTCTGTGAAAAATGCCCCAGATCTGTGAAA-3'